The following is an entry in ClinVar:

ClinVar aggregate classification (germline): Conflicting classifications of pathogenicity. Review status: criteria provided, conflicting classifications (1 of 4 stars). 4 submissions from 4 submitters: Uncertain significance (3); Likely benign (1). Last evaluated 2025-01-16.

Conditions:
Hereditary cancer-predisposing syndrome. Also called: Hereditary Cancer Syndrome; Hereditary neoplastic syndrome; Neoplastic Syndromes, Hereditary; Tumor predisposition. Identifiers: Orphanet 140162, MedGen C0027672, MeSH D009386, MONDO:0015356.
Retinoblastoma (RB1). Also called: RETINOBLASTOMA, SOMATIC. Identifiers: Orphanet 790, MedGen C0035335, MeSH D012175, MONDO:0008380, OMIM 180200, HP:0009919. Disease mechanism: loss of function. Inheritance: Both sporadic and heritable forms are tested..
Malignant tumor of urinary bladder. Also called: Urinary Bladder Neoplasms; Bladder cancer; Urinary bladder cancer. Identifiers: MedGen C0005684, MONDO:0001187, OMIM 109800.

Submissions (4):

Labcorp Genetics (formerly Invitae), Labcorp
Classification: Likely benign for Retinoblastoma. Last evaluated: 2025-01-16. Review status: criteria provided, single submitter. Criteria: Invitae Variant Classification Sherloc (09022015). Collection method: clinical testing. Allele origin: germline.

Ambry Genetics
Classification: Uncertain significance for Hereditary cancer-predisposing syndrome. Last evaluated: 2024-03-27. Review status: criteria provided, single submitter. Criteria: Ambry Variant Classification Scheme 2023. Collection method: clinical testing. Allele origin: germline.
Comment: The p.L151Q variant (also known as c.452T>A), located in coding exon 4 of the RB1 gene, results from a T to A substitution at nucleotide position 452. The leucine at codon 151 is replaced by glutamine, an amino acid with dissimilar properties. This amino acid position is conserved. In addition, this alteration is predicted to be deleterious by in silico analysis. Since supporting evidence is limited at this time, the clinical significance of this alteration remains unclear.

Baylor Genetics
Classification: Uncertain significance for Malignant tumor of urinary bladder. Last evaluated: 2024-02-11. Review status: criteria provided, single submitter. Criteria: ACMG Guidelines, 2015. Collection method: clinical testing. Allele origin: unknown.

Revvity Omics, Revvity
Classification: Uncertain significance for Retinoblastoma. Last evaluated: 2023-06-09. Review status: criteria provided, single submitter. Criteria: ACMG Guidelines, 2015. Collection method: clinical testing. Allele origin: germline.

NM_000321.3(RB1):c.452T>A (p.Leu151Gln)

Gene: RB1 (RB transcriptional corepressor 1; plus strand). Cytogenetic location: 13q14.2.
Variant type: single nucleotide variant.
Coding change: c.452T>A on transcript NM_000321.3 (MANE Select); coding-DNA position 452, T replaced by A.
Protein change: p.Leu151Gln; replaces leucine 151 with glutamine.
Molecular consequence: missense variant.
Genome position (GRCh38, 1-based): chr13:48,345,151, T>A. VCF-style: chr13-48345151-T-A. GRCh37 (hg19) VCF-style: chr13-48919287-T-A.
Other names: short protein forms L151Q.
Identifiers: ClinVar variation 1570596 (VCV001570596.14), dbSNP rs2138087581, ClinGen allele CA388252753.